The following is an entry in ClinVar:

ClinVar aggregate classification (germline): Uncertain significance (1 of 4 stars; one submission).

Allele frequency attached by ClinVar (database versions not stated): gnomAD 0.00001; gnomAD exomes 0.00001.
gnomAD v4.1: 15 of 1,614,092 alleles (0.00093%); highest among the groups gnomAD compares: Admixed American, 0.005%; no homozygotes.

Submission:

Labcorp Genetics (formerly Invitae), Labcorp
Classification: Uncertain significance. Last evaluated: 2022-06-22. Review status: criteria provided, single submitter. Criteria: Invitae Variant Classification Sherloc (09022015). Collection method: clinical testing. Allele origin: germline.
Comment: This sequence change replaces leucine, which is neutral and non-polar, with phenylalanine, which is neutral and non-polar, at codon 911 of the PLCE1 protein (p.Leu911Phe). This variant is present in population databases (no rsID available, gnomAD 0.006%). This variant has not been reported in the literature in individuals affected with PLCE1-related conditions. Algorithms developed to predict the effect of missense changes on protein structure and function (SIFT, PolyPhen-2, Align-GVGD) all suggest that this variant is likely to be tolerated. In summary, the available evidence is currently insufficient to determine the role of this variant in disease. Therefore, it has been classified as a Variant of Uncertain Significance.

NM_016341.4(PLCE1):c.2731C>T (p.Leu911Phe)

Gene: PLCE1 (phospholipase C epsilon 1; plus strand). Cytogenetic location: 10q23.33.
Variant type: single nucleotide variant.
Coding change: c.2731C>T on transcript NM_016341.4 (MANE Select); coding-DNA position 2731, C replaced by T.
Protein change: p.Leu911Phe; replaces leucine 911 with phenylalanine.
Molecular consequence: missense variant.
Genome position (GRCh38, 1-based): chr10:94,246,256, C>T. VCF-style: chr10-94246256-C-T. GRCh37 (hg19) VCF-style: chr10-96006013-C-T.
Other names: c.1807C>T, p.Leu603Phe (NM_001165979.2); c.2731C>T, p.Leu911Phe (NM_001288989.2); short protein forms L603F, L911F.
Identifiers: ClinVar variation 1929403 (VCV001929403.2), dbSNP rs1023013888, ClinGen allele CA211608240.